The following is an entry in ClinVar:

ClinVar aggregate classification (germline): Pathogenic/Likely pathogenic. Review status: criteria provided, multiple submitters, no conflicts (2 of 4 stars). 4 submissions from 4 submitters: Pathogenic (2); Likely pathogenic (2). Last evaluated 2025-09-22.

Conditions:
MANBA-related disorder. Also called: MANBA-related condition.
Beta-D-mannosidosis (MANSB). Also called: MANNOSIDOSIS, BETA A, LYSOSOMAL; BETA-MANNOSIDASE DEFICIENCY; Beta-Mannosidosis; LYSOSOMAL BETA-MANNOSIDASE DEFICIENCY. Identifiers: Orphanet 118, MedGen C4048196, MONDO:0009562, OMIM 248510.

Submissions (4):

GeneDx
Classification: Pathogenic. Last evaluated: 2025-09-22. Review status: criteria provided, single submitter. Criteria: GeneDx Variant Classification Process June 2021. Collection method: clinical testing. Allele origin: germline. Affected: yes.
Comment: Frameshift variant predicted to result in protein truncation or nonsense mediated decay in a gene for which loss of function is a known mechanism of disease; Not observed at significant frequency in large population cohorts (gnomAD); This variant is associated with the following publications: (PMID: 31589614, 40869962)

PreventionGenetics, part of Exact Sciences
Classification: Likely pathogenic for MANBA-related condition. Last evaluated: 2025-02-19. Review status: criteria provided, single submitter. Criteria: ACMG Guidelines, 2015. Collection method: clinical testing. Allele origin: germline.
Comment: The MANBA c.1452_1453delCT variant is predicted to result in a frameshift and premature protein termination (p.Tyr485Cysfs*27). To our knowledge, this variant has not been reported in individuals with MANBA-related disease. This variant is reported in 0.00088% of alleles in individuals of European (Non-Finnish) descent in gnomAD. Frameshift variants in MANBA are expected to be pathogenic. This variant is interpreted as likely pathogenic.

Fulgent Genetics
Classification: Likely pathogenic for Beta-D-mannosidosis. Last evaluated: 2024-03-26. Review status: criteria provided, single submitter. Criteria: ACMG Guidelines, 2015. Collection method: clinical testing. Allele origin: germline.

Labcorp Genetics (formerly Invitae), Labcorp
Classification: Pathogenic for Beta-D-mannosidosis. Last evaluated: 2023-12-09. Review status: criteria provided, single submitter. Criteria: Invitae Variant Classification Sherloc (09022015). Collection method: clinical testing. Allele origin: germline.
Comment: This sequence change creates a premature translational stop signal (p.Tyr485Cysfs*27) in the MANBA gene. It is expected to result in an absent or disrupted protein product. Loss-of-function variants in MANBA are known to be pathogenic (PMID: 9384606, 12468273). This variant is not present in population databases (gnomAD no frequency). This premature translational stop signal has been observed in individual(s) with beta-mannosidosis (PMID: 12468273). ClinVar contains an entry for this variant (Variation ID: 546423). For these reasons, this variant has been classified as Pathogenic.

Literature cited by the submitters: PubMed 9384606 (cited by Labcorp Genetics (formerly Invitae), Labcorp); PubMed 12468273 (cited by Labcorp Genetics (formerly Invitae), Labcorp).

NM_005908.4(MANBA):c.1452_1453del (p.Tyr485fs)

Gene: MANBA (mannosidase beta; minus strand). Cytogenetic location: 4q24.
Variant type: Microsatellite.
Coding change: c.1452_1453del on transcript NM_005908.4 (MANE Select); coding-DNA positions 1452 to 1453, 2 bases deleted (CT; older notation c.1452_1453delCT).
Protein change: p.Tyr485fs; shifts the reading frame from tyrosine 485.
Molecular consequence: frameshift variant.
Genome position (GRCh38, 1-based): chr4:102,664,717-102,664,718, AG deleted on the plus strand (CT on the coding strand, the reverse complement: MANBA is on the minus strand); deleting any 2 consecutive bases within chr4:102,664,717-102,664,720 gives the same sequence; the c. name uses the placement nearest the transcript's 3' end. VCF-style (leftmost placement, unchanged base first): chr4-102664716-TAG-T. GRCh37 (hg19) VCF-style: chr4-103585873-TAG-T.
Other names: c.1452_1453del (NM_005908.3); short protein forms Y485fs.
Identifiers: ClinVar variation 546423 (VCV000546423.12), dbSNP rs764364492, ClinGen allele CA3026901.
Genomic context (GRCh38, chr4:102,664,716, plus strand): 5'-ATTCTACTGCATTAAAAATCATTACTTACTGCCAGTACGAGCTCTCTGATGTTTTTCACA[TAG>T]AGTGTCACATAGTCCTTGATGTAGATTGGCCGGTCAGTGAAACTGATATGATACCAATTC-3'